The following is an entry in ClinVar:

NM_001005273.3(CHD3):c.4073-1G>T

Gene: CHD3 (chromodomain helicase DNA binding protein 3; plus strand). Cytogenetic location: 17p13.1.
Variant type: single nucleotide variant.
Coding change: c.4073-1G>T on transcript NM_001005273.3 (MANE Select); the canonical splice acceptor site of the intron before coding-DNA position 4073, G replaced by T.
Molecular consequence: splice acceptor variant.
Genome position (GRCh38, 1-based): chr17:7,905,099, G>T. VCF-style: chr17-7905099-G-T. GRCh37 (hg19) VCF-style: chr17-7808417-G-T.
Other names: c.4250-1G>T (NM_001005271.3); c.4073-1G>T (NM_005852.4).
Identifiers: ClinVar variation 985454 (VCV000985454.6), dbSNP rs1970772602, ClinGen allele CA397944736.

ClinVar aggregate classification (germline): Likely pathogenic (1 of 4 stars; one submission).

Conditions:
Inborn genetic diseases. Identifiers: MedGen C0950123, MeSH D030342.

Submission:

Ambry Genetics
Classification: Likely pathogenic for Inborn genetic diseases. Last evaluated: 2023-06-09. Review status: criteria provided, single submitter. Criteria: Ambry Variant Classification Scheme 2023. Collection method: clinical testing. Allele origin: germline.
Comment: The c.4250-1G>T intronic variant results from a G to T substitution one nucleotide before coding exon 26 of the CHD3 gene. Alterations that disrupt the canonical splice site are expected to cause aberrant splicing, resulting in an abnormal protein or a transcript that is subject to nonsense-mediated mRNA decay. However, loss of function of CHD3 has not been established as a mechanism of disease. This variant was not reported in population-based cohorts in the Genome Aggregation Database (gnomAD). This nucleotide position is highly conserved in available vertebrate species. In silico splice site analysis predicts that this alteration will weaken the native splice acceptor site. Based on the available evidence, this alteration is classified as likely pathogenic.